The following is an entry in ClinVar:

NM_003235.5(TG):c.4378G>A (p.Val1460Ile)

Gene: TG (thyroglobulin; plus strand). Cytogenetic location: 8q24.22.
Variant type: single nucleotide variant.
Coding change: c.4378G>A on transcript NM_003235.5 (MANE Select); coding-DNA position 4378, G replaced by A.
Protein change: p.Val1460Ile; replaces valine 1460 with isoleucine.
Molecular consequence: missense variant.
Genome position (GRCh38, 1-based): chr8:132,913,265, G>A. VCF-style: chr8-132913265-G-A. GRCh37 (hg19) VCF-style: chr8-133925510-G-A.
Other names: short protein forms V1460I.
Identifiers: ClinVar variation 632072 (VCV000632072.48), dbSNP rs199615848, ClinGen allele CA4884102.

ClinVar aggregate classification (germline): Conflicting classifications of pathogenicity. Review status: criteria provided, conflicting classifications (1 of 4 stars). 3 submissions from 3 submitters: Likely pathogenic (2); Uncertain significance (1). Last evaluated 2025-03-20.

Conditions:
Iodotyrosyl coupling defect (TDH3). Also called: HYPOTHYROIDISM, CONGENITAL, DUE TO DYSHORMONOGENESIS, 3; THYROID HORMONOGENESIS, GENETIC DEFECT IN, 3. Identifiers: Orphanet 95716, MedGen C0342194, MONDO:0010135, OMIM 274700.

Allele frequency attached by ClinVar (database versions not stated): TOPMed 0.00017; gnomAD 0.00019; ExAC 0.00020; gnomAD exomes 0.00027.
gnomAD v4.1: 422 of 1,613,570 alleles (0.026%); highest among the groups gnomAD compares: Non-Finnish European, 0.03%; no homozygotes.

Submissions (3):

First Genomix Gene Laboratory, Genetic Diagnostics Department
Classification: Likely pathogenic for Iodotyrosyl coupling defect. Last evaluated: 2025-03-20. Review status: criteria provided, single submitter. Criteria: ACMG Guidelines, 2015. Collection method: clinical testing. Allele origin: germline. Inheritance: Autosomal recessive inheritance. Affected: no. Observed: 1 variant allele.

Greenwood Genetic Center Diagnostic Laboratories, Greenwood Genetic Center
Classification: Likely pathogenic for Iodotyrosyl coupling defect. Last evaluated: 2023-07-07. Review status: criteria provided, single submitter. Criteria: ACMG Guidelines, 2015. Collection method: clinical testing. Allele origin: germline. Affected: yes.
Comment: PM2, PM3_Strong, PP3

CeGaT Center for Human Genetics Tuebingen
Classification: Uncertain significance. Last evaluated: 2022-03-01. Review status: criteria provided, single submitter. Criteria: CeGaT Center For Human Genetics Tuebingen Variant Classification Criteria Version 2. Collection method: clinical testing. Allele origin: germline. Affected: yes. Observed: 3 variant alleles.
Comment: TG: PP3